The following is an entry in ClinVar:

NM_001853.4(COL9A3):c.1280del (p.Gly427fs)

Gene: COL9A3 (collagen type IX alpha 3 chain; plus strand). Cytogenetic location: 20q13.33.
Variant type: Deletion.
Coding change: c.1280del on transcript NM_001853.4 (MANE Select); coding-DNA position 1280, one base deleted (G; older notation c.1280delG).
Protein change: p.Gly427fs; shifts the reading frame from glycine 427.
Molecular consequence: frameshift variant.
Genome position (GRCh38, 1-based): chr20:62,830,581, G deleted; the last of 3 consecutive G bases (chr20:62,830,579-62,830,581); deleting any one gives the same sequence. VCF-style (leftmost placement, unchanged base first): chr20-62830578-TG-T. GRCh37 (hg19) VCF-style: chr20-61461930-TG-T.
Other names: short protein forms G427fs.
Identifiers: ClinVar variation 4730728 (VCV004730728.1).

ClinVar aggregate classification (germline): Pathogenic (1 of 4 stars; one submission).

Submission:

Labcorp Genetics (formerly Invitae), Labcorp
Classification: Pathogenic. Last evaluated: 2025-11-08. Review status: criteria provided, single submitter. Criteria: Invitae Variant Classification Sherloc (09022015). Collection method: clinical testing. Allele origin: germline.
Comment: This sequence change creates a premature translational stop signal (p.Gly427Alafs*106) in the COL9A3 gene. It is expected to result in an absent or disrupted protein product. Loss-of-function variants in COL9A3 are known to be pathogenic (PMID: 24273071, 31090205). This variant is not present in population databases (gnomAD no frequency). This variant has not been reported in the literature in individuals affected with COL9A3-related conditions. For these reasons, this variant has been classified as Pathogenic.

Literature cited by the submitters: PubMed 24273071; PubMed 31090205.